The following is an entry in ClinVar:

NM_021625.5(TRPV4):c.611A>G (p.Asn204Ser)

Gene: TRPV4 (transient receptor potential cation channel subfamily V member 4; minus strand). Cytogenetic location: 12q24.11.
Variant type: single nucleotide variant.
Coding change: c.611A>G on transcript NM_021625.5 (MANE Select); coding-DNA position 611, A replaced by G.
Protein change: p.Asn204Ser; replaces asparagine 204 with serine.
Molecular consequence: missense variant.
Genome position (GRCh38, 1-based): chr12:109,803,092, T>C on the plus strand (A>G on the coding strand, the complement: TRPV4 is on the minus strand). VCF-style: chr12-109803092-T-C. GRCh37 (hg19) VCF-style: chr12-110240897-T-C.
Other names: c.611A>G, p.Asn204Ser (NM_001177428.2, NM_001177433.2, NM_147204.3); c.509A>G, p.Asn170Ser (NM_001177431.2); short protein forms N170S, N204S.
Identifiers: ClinVar variation 4742431 (VCV004742431.1).

ClinVar aggregate classification (germline): Uncertain significance (1 of 4 stars; one submission).

Conditions:
Charcot-Marie-Tooth disease axonal type 2C (HMSN2C). Also called: CHARCOT-MARIE-TOOTH DISEASE, AXONAL, AUTOSOMAL DOMINANT, TYPE 2C; Charcot-Marie-Tooth Neuropathy Type 2C; Charcot-Marie-Tooth Disease Type 2, TRPV4-Related (CMT2C). Identifiers: Orphanet 99937, MedGen C1853710, MONDO:0011633, OMIM 606071.

gnomAD v4.1: 13 of 1,614,170 alleles (0.00081%); highest among the groups gnomAD compares: South Asian, 0.0011%; no homozygotes.

Submission:

Labcorp Genetics (formerly Invitae), Labcorp
Classification: Uncertain significance for Charcot-Marie-Tooth disease axonal type 2C. Last evaluated: 2025-10-08. Review status: criteria provided, single submitter. Criteria: Invitae Variant Classification Sherloc (09022015). Collection method: clinical testing. Allele origin: germline.
Comment: This sequence change replaces asparagine, which is neutral and polar, with serine, which is neutral and polar, at codon 204 of the TRPV4 protein (p.Asn204Ser). This variant is present in population databases (rs771772498, gnomAD 0.003%). This variant has not been reported in the literature in individuals affected with TRPV4-related conditions. An algorithm developed to predict the effect of missense changes on protein structure and function outputs the following: PolyPhen-2: "Benign". The serine amino acid residue is found in multiple mammalian species, which suggests that this missense change does not adversely affect protein function. In summary, the available evidence is currently insufficient to determine the role of this variant in disease. Therefore, it has been classified as a Variant of Uncertain Significance.